The following is an entry in ClinVar:

ClinVar aggregate classification (germline): Conflicting classifications of pathogenicity. Review status: criteria provided, conflicting classifications (1 of 4 stars). 12 submissions from 10 submitters: Uncertain significance (6); Benign (1); Likely benign (2). 3 of the submissions do not count toward it. Last evaluated 2026-01-12.

Conditions:
BEST1-related dominant retinopathy. Identifiers: MedGen CN375913, MONDO:0700238.
Retinal dystrophy. Also called: Inherited retinal dystrophy. Identifiers: Orphanet 71862, MedGen C0854723, MeSH D058499, MONDO:0019118, HP:0000556.
Retinitis pigmentosa (RP). Identifiers: Orphanet 791, MedGen C0035334, MeSH D012174, MONDO:0019200, OMIM 268000. Inheritance: Autosomal dominant, autosomal recessive and X linked inheritance.
Vitelliform macular dystrophy 2. Also called: MACULAR DEGENERATION, POLYMORPHIC VITELLINE; Best vitelliform macular dystrophy, multifocal; Best Macular Dystrophy; Best Vitelliform Macular Dystrophy (BVMD); VITELLIFORM MACULAR DYSTROPHY, EARLY-ONSET; VITELLIFORM MACULAR DYSTROPHY, JUVENILE-ONSET. Identifiers: Orphanet 1243, MedGen C2745945, MONDO:0007931, OMIM 153700.
Autosomal recessive bestrophinopathy. Also called: Autosomal Recessive Bestrophinopathy (ARB). Identifiers: Orphanet 139455, MedGen C3888198, MONDO:0012733, OMIM 611809.
Autosomal dominant vitreoretinochoroidopathy. Also called: Autosomal Dominant Vitreoretinochoroidopathy (ADVIRC); VITREORETINOCHOROIDOPATHY, AUTOSOMAL DOMINANT, WITH NANOPHTHALMOS; VITREORETINOCHOROIDOPATHY WITH MICROCORNEA, GLAUCOMA, AND CATARACT. Identifiers: Orphanet 263347, Orphanet 3086, MedGen C3888099, MONDO:0008662, OMIM 193220.

Allele frequency attached by ClinVar (database versions not stated): gnomAD 0.00007 and 0.00008; gnomAD exomes 0.00011 and 0.00014; TOPMed 0.00012; ExAC 0.00013; ESP Exome Variant Server 0.00015.
gnomAD v4.1: 288 of 1,611,782 alleles (0.018%); highest among the groups gnomAD compares: East Asian, 0.038%; 4 homozygotes.

Submissions (12):

Labcorp Genetics (formerly Invitae), Labcorp
Classification: Uncertain significance. Last evaluated: 2026-01-12. Review status: criteria provided, single submitter. Criteria: Invitae Variant Classification Sherloc (09022015). Collection method: clinical testing. Allele origin: germline.
Comment: This sequence change replaces alanine, which is neutral and non-polar, with threonine, which is neutral and polar, at codon 352 of the BEST1 protein (p.Ala352Thr). This variant is present in population databases (rs147409760, gnomAD 0.07%), including at least one homozygous and/or hemizygous individual. This missense change has been observed in individual(s) with autosomal dominant Best vitelliform macular dystrophy (PMID: 29215532). ClinVar contains an entry for this variant (Variation ID: 386501). Invitae Evidence Modeling of protein sequence and biophysical properties (such as structural, functional, and spatial information, amino acid conservation, physicochemical variation, residue mobility, and thermodynamic stability) indicates that this missense variant is expected to disrupt BEST1 protein function with a positive predictive value of 80%. In summary, the available evidence is currently insufficient to determine the role of this variant in disease. Therefore, it has been classified as a Variant of Uncertain Significance.

Blueprint Genetics
Classification: Likely benign. Last evaluated: 2024-11-27. Review status: criteria provided, single submitter. Criteria: ACMG Guidelines, 2015. Collection method: clinical testing. Allele origin: germline.

Department of Pathology and Laboratory Medicine, Sinai Health System
Classification: Uncertain significance for BEST1-related dominant retinopathy. Last evaluated: 2023-10-21. Review status: criteria provided, single submitter. Criteria: ACMG Guidelines, 2015. Collection method: research. Allele origin: germline.

Dept Of Ophthalmology, Nagoya University
Classification: Uncertain significance for Retinal dystrophy. Last evaluated: 2023-10-01. Review status: criteria provided, single submitter. Criteria: Submitter's publication. Collection method: research. Allele origin: germline. Affected: yes.

Genetics and Molecular Pathology, SA Pathology
Classification: Uncertain significance for Autosomal recessive bestrophinopathy. Last evaluated: 2021-09-16. Review status: criteria provided, single submitter. Criteria: ACMG Guidelines, 2015. Collection method: clinical testing. Allele origin: germline. Affected: yes.

GeneDx
Classification: Likely benign. Last evaluated: 2020-09-01. Review status: criteria provided, single submitter. Criteria: GeneDx Variant Classification Process June 2021. Collection method: clinical testing. Allele origin: germline. Affected: yes.
Comment: This variant is associated with the following publications: (PMID: 24629188)

Illumina Laboratory Services, Illumina
Classification: Uncertain significance for Vitelliform macular dystrophy 2. Last evaluated: 2017-04-27. Review status: criteria provided, single submitter. Criteria: ICSL Variant Classification Criteria 13 December 2019. Collection method: clinical testing. Allele origin: germline.

Illumina Laboratory Services, Illumina
Classification: Uncertain significance for Retinitis pigmentosa. Last evaluated: 2017-04-27. Review status: criteria provided, single submitter. Criteria: ICSL Variant Classification Criteria 13 December 2019. Collection method: clinical testing. Allele origin: germline.

Illumina Laboratory Services, Illumina
Classification: Benign for Autosomal dominant vitreoretinochoroidopathy. Last evaluated: 2017-04-27. Review status: criteria provided, single submitter. Criteria: ICSL Variant Classification Criteria 13 December 2019. Collection method: clinical testing. Allele origin: germline.
Comment: This variant was observed as part of a predisposition screen in an ostensibly healthy population. A literature search was performed for the gene, cDNA change, and amino acid change (where applicable). No publications were found based on this search. Allele frequency data from public databases was too high to be consistent with this variant causing disease. Therefore, this variant is classified as benign.

Institute of Human Genetics, Univ. Regensburg, Univ. Regensburg
Classification: Uncertain significance for Retinal dystrophy. Last evaluated: 2023-01-01. Review status: no assertion criteria provided. Criteria: ACMG Guidelines, 2015. Collection method: clinical testing. Allele origin: germline. Affected: yes. Not counted in ClinVar's aggregate classification.

Clinical Genetics DNA and cytogenetics Diagnostics Lab, Erasmus MC, Erasmus Medical Center
Classification: Uncertain significance. Review status: no assertion criteria provided. Collection method: clinical testing. Allele origin: germline. Affected: yes. Study: VKGL Data-share Consensus. Not counted in ClinVar's aggregate classification.

Clinical Genetics, Academic Medical Center
Classification: Uncertain significance. Review status: no assertion criteria provided. Collection method: clinical testing. Allele origin: germline. Affected: yes. Study: VKGL Data-share Consensus. Not counted in ClinVar's aggregate classification.

Literature cited by the submitters: PubMed 29215532 (cited by Labcorp Genetics (formerly Invitae), Labcorp).

NM_004183.4(BEST1):c.1054G>A (p.Ala352Thr)

Gene: BEST1 (bestrophin 1; plus strand). Cytogenetic location: 11q12.3.
Variant type: single nucleotide variant.
Coding change: c.1054G>A on transcript NM_004183.4 (MANE Select); coding-DNA position 1054, G replaced by A.
Protein change: p.Ala352Thr; replaces alanine 352 with threonine.
Molecular consequence: missense variant. On other transcripts: synonymous variant (1), non-coding transcript variant (1).
Genome position (GRCh38, 1-based): chr11:61,959,997, G>A. VCF-style: chr11-61959997-G-A. GRCh37 (hg19) VCF-style: chr11-61727469-G-A.
Other names: c.874G>A, p.Ala292Thr (NM_001139443.3, NM_001300787.2); c.793G>A, p.Ala265Thr (NM_001300786.2); c.736G>A, p.Ala246Thr (NM_001363591.3); c.1257G>A, p.Pro419= (NM_001363592.2); c.82G>A, p.Ala28Thr (NM_001363593.3); short protein forms A352T, A246T, A28T, A292T, A265T.
Identifiers: ClinVar variation 386501 (VCV000386501.21), dbSNP rs147409760, ClinGen allele CA6040973.